The following is an entry in ClinVar:

ClinVar aggregate classification (germline): Pathogenic/Likely pathogenic. Review status: criteria provided, multiple submitters, no conflicts (2 of 4 stars). 2 submissions from 2 submitters: Pathogenic (1); Likely pathogenic (1). Last evaluated 2026-06-23.

Conditions:
Hypochondroplasia (HCH). Identifiers: Orphanet 429, MedGen C0410529, MONDO:0007793, OMIM 146000. Disease mechanism: gain of function.

Submissions (2):

Genomenon, Inc
Classification: Likely pathogenic for Hypochondroplasia. Last evaluated: 2026-06-23. Review status: criteria provided, single submitter. Criteria: Genomenon Sequence Variant Interpretation Standards - Updated. Collection method: curation. Allele origin: germline. Affected: yes.
Comment: FGFR3 p.Gly268Cys (c.802G>T) is a missense variant that changes the amino acid at codon 268 from Glycine to Cysteine. This variant has been observed in at least one proband with hypochondroplasia (PMID:16912704). A de novo occurrence of this variant has been observed in at least one affected individual (PMID:16912704). It is absent or not present at a significant frequency in gnomAD. In silico models predict that this variant is possibly or probably damaging. In conclusion, we classify FGFR3 p.Gly268Cys (c.802G>T) as a likely pathogenic variant.

Labcorp Genetics (formerly Invitae), Labcorp
Classification: Pathogenic. Last evaluated: 2021-01-28. Review status: criteria provided, single submitter. Criteria: Invitae Variant Classification Sherloc (09022015). Collection method: clinical testing. Allele origin: germline.
Comment: This sequence change replaces glycine with cysteine at codon 268 of the FGFR3 protein (p.Gly268Cys). The glycine residue is highly conserved and there is a large physicochemical difference between glycine and cysteine. This variant is not present in population databases (ExAC no frequency). This variant has been observed in individual(s) with hypochondroplasia (PMID: 16912704). In at least one individual the variant was observed to be de novo. Advanced modeling of protein sequence and biophysical properties (such as structural, functional, and spatial information, amino acid conservation, physicochemical variation, residue mobility, and thermodynamic stability) performed at Invitae indicates that this missense variant is expected to disrupt FGFR3 protein function. For these reasons, this variant has been classified as Pathogenic.

Literature cited by the submitters: PubMed 16912704 (cited by Genomenon, Inc and Labcorp Genetics (formerly Invitae), Labcorp); PubMed 30681580 (cited by Genomenon, Inc); PubMed 29736252 (cited by Genomenon, Inc); PubMed 17895900 (cited by Genomenon, Inc); PubMed 22302603 (cited by Genomenon, Inc); PubMed 24411048 (cited by Genomenon, Inc); PubMed 26126848 (cited by Genomenon, Inc).

NM_000142.5(FGFR3):c.802G>T (p.Gly268Cys)

Gene: FGFR3 (fibroblast growth factor receptor 3; plus strand). Cytogenetic location: 4p16.3.
Variant type: single nucleotide variant.
Coding change: c.802G>T on transcript NM_000142.5 (MANE Select); coding-DNA position 802, G replaced by T.
Protein change: p.Gly268Cys; replaces glycine 268 with cysteine.
Molecular consequence: missense variant. On other transcripts: non-coding transcript variant (1).
Genome position (GRCh38, 1-based): chr4:1,801,897, G>T. VCF-style: chr4-1801897-G-T. GRCh37 (hg19) VCF-style: chr4-1803624-G-T.
Other names: c.802G>T, p.Gly268Cys (NM_001163213.2, NM_001354809.2, NM_001354810.2 and 1 more transcripts); short protein forms G268C.
Identifiers: ClinVar variation 1680033 (VCV001680033.9), dbSNP rs2108783903, ClinGen allele CA355976243.
Genomic context (GRCh38, chr4:1,801,897, plus strand): 5'-CGCTCCCCGCACCGGCCCATCCTGCAGGCGGGGCTGCCGGCCAACCAGACGGCGGTGCTG[G>T]GCAGCGACGTGGAGTTCCACTGCAAGGTGTACAGTGACGCACAGCCCCACATCCAGTGGC-3'
Protein context (NP_000133.1, residues 258-278): GLPANQTAVL[Gly268Cys]SDVEFHCKVY